The following is an entry in ClinVar:

NM_022489.4(INF2):c.2879-3C>T

Gene: INF2 (inverted formin 2; plus strand). Cytogenetic location: 14q32.33.
Variant type: single nucleotide variant.
Coding change: c.2879-3C>T on transcript NM_022489.4 (MANE Select); 3 bases into the intron before coding-DNA position 2879, C replaced by T.
Molecular consequence: intron variant.
Genome position (GRCh38, 1-based): chr14:104,713,442, C>T. VCF-style: chr14-104713442-C-T. GRCh37 (hg19) VCF-style: chr14-105179779-C-T.
Other names: c.2879-3C>T (NM_001031714.4, NM_022489.3).
Identifiers: ClinVar variation 1000754 (VCV001000754.7), dbSNP rs757145852, ClinGen allele CA7373120.
Genomic context (GRCh38, chr14:104,713,442, plus strand): 5'-CCCCAGCCCTCTAGGTGGGCTCCAGGGTCCCATGCCGCTCTCTGAGTGCCCCACGCTCCT[C>T]AGTCAGGAAGGGGCCCGGGAAGCAGGAGGAGGTGTGTGTCATCGATGCCCTGCTGGCTGA-3'

ClinVar aggregate classification (germline): Conflicting classifications of pathogenicity. Review status: criteria provided, conflicting classifications (1 of 4 stars). 2 submissions from 2 submitters: Uncertain significance (1); Likely benign (1). Last evaluated 2025-05-15.

Conditions:
Focal segmental glomerulosclerosis 5 (FSGS5). Identifiers: Orphanet 656, MedGen C2750475, MONDO:0013191, OMIM 613237.
Charcot-Marie-Tooth disease dominant intermediate E. Also called: CHARCOT-MARIE-TOOTH NEUROPATHY WITH FOCAL SEGMENTAL GLOMERULONEPHRITIS. Identifiers: Orphanet 93114, MedGen C4302667, MONDO:0013758, OMIM 614455.
INF2-related disorder. Also called: INF2-related condition.

Allele frequency attached by ClinVar (database versions not stated): gnomAD 0.00001; gnomAD exomes 0.00001; TOPMed 0.00001; ExAC 0.00002.
gnomAD v4.1: 20 of 1,609,418 alleles (0.0012%); highest among the groups gnomAD compares: Non-Finnish European, 0.0017%; no homozygotes.

Submissions (2):

PreventionGenetics, part of Exact Sciences
Classification: Likely benign for INF2-related condition. Last evaluated: 2025-05-15. Review status: criteria provided, single submitter. Criteria: ACMG Guidelines, 2015. Collection method: clinical testing. Allele origin: germline.
Comment: This variant is classified as likely benign based on ACMG/AMP sequence variant interpretation guidelines (Richards et al. 2015 PMID: 25741868, with internal and published modifications).

Labcorp Genetics (formerly Invitae), Labcorp
Classification: Uncertain significance for Charcot-Marie-Tooth disease dominant intermediate E; Focal segmental glomerulosclerosis 5. Last evaluated: 2020-08-28. Review status: criteria provided, single submitter. Criteria: Invitae Variant Classification Sherloc (09022015). Collection method: clinical testing. Allele origin: germline.
Comment: This variant is present in population databases (rs757145852, ExAC 0.004%). This sequence change falls in intron 19 of the INF2 gene. It does not directly change the encoded amino acid sequence of the INF2 protein, but it affects a nucleotide within the consensus splice site of the intron. This variant has not been reported in the literature in individuals with INF2-related conditions. In summary, the available evidence is currently insufficient to determine the role of this variant in disease. Therefore, it has been classified as a Variant of Uncertain Significance. Nucleotide substitutions within the consensus splice site are a relatively common cause of aberrant splicing (PMID: 17576681, 9536098). Algorithms developed to predict the effect of sequence changes on RNA splicing suggest that this variant is not likely to affect RNA splicing, but this prediction has not been confirmed by published transcriptional studies.

Literature cited by the submitters: PubMed 17576681 (cited by Labcorp Genetics (formerly Invitae), Labcorp); PubMed 9536098 (cited by Labcorp Genetics (formerly Invitae), Labcorp).